The following is an entry in ClinVar:

ClinVar aggregate classification (germline): Uncertain significance (1 of 4 stars; one submission).

Conditions:
Inborn genetic diseases. Identifiers: MedGen C0950123, MeSH D030342.

Submission:

Ambry Genetics
Classification: Uncertain significance for Inborn genetic diseases. Last evaluated: 2025-07-16. Review status: criteria provided, single submitter. Criteria: Ambry Variant Classification Scheme 2023. Collection method: clinical testing. Allele origin: germline.
Comment: The c.301+3A>G intronic alteration results from an A to G substitution 3 nucleotides after coding exon 1 in the EPM2A gene. Based on insufficient or conflicting evidence, the clinical significance of this alteration remains unclear.

NM_005670.4(EPM2A):c.301+3A>G

Genes: EPM2A-DT (EPM2A divergent transcript; plus strand), EPM2A (EPM2A glucan phosphatase, laforin; minus strand), LOC129997381 (ATAC-STARR-seq lymphoblastoid silent region 17642; plus strand). Cytogenetic location: 6q24.3.
Variant type: single nucleotide variant.
Coding change: c.301+3A>G on transcript NM_005670.4 (MANE Select); 3 bases into the intron after coding-DNA position 301, A replaced by G.
Molecular consequence: intron variant.
Genome position (GRCh38, 1-based): chr6:145,735,195, T>C on the plus strand (A>G on the coding strand, the complement: EPM2A is on the minus strand). VCF-style: chr6-145735195-T-C. GRCh37 (hg19) VCF-style: chr6-146056331-T-C.
Other names: c.-114+713A>G (NM_001360064.2); c.-114+50A>G (NM_001368131.1); c.301+3A>G (NM_001360057.2, NM_001018041.2, NM_001368130.1); c.-323+3A>G (NM_001368129.2); c.-369+3A>G (NM_001360071.2).
Identifiers: ClinVar variation 4250051 (VCV004250051.1).
Genomic context (GRCh38, chr6:145,735,195, plus strand): 5'-CCGGTTGGGGGTGCGGGCCGGAGCTCCCGCTCTGCGCCGGGGGCAGGCGTCTGCTGGCAA[T>C]ACCTTCCCAGGAGAGCTCTCCTCCCGGCTCCCGCTTCAGGAACTTGTACCAGAACGTGTC-3'